The following is an entry in ClinVar:

ClinVar aggregate classification (germline): Uncertain significance. Review status: criteria provided, multiple submitters, no conflicts (2 of 4 stars). 2 submissions from 2 submitters: Uncertain significance (2). Last evaluated 2025-03-27.

Conditions:
Inborn genetic diseases. Identifiers: MedGen C0950123, MeSH D030342.
Autoimmune lymphoproliferative syndrome, type III caused by mutation in PRKCD. Identifiers: Orphanet 3261, Orphanet 664711, MedGen C3809928, MONDO:8000024, OMIM 615559.

Allele frequency attached by ClinVar (database versions not stated): gnomAD exomes 0.00001 and below 0.00001; ESP Exome Variant Server 0.00015; ExAC 0.00001; gnomAD 0.00001; TOPMed 0.00002.
gnomAD v4.1: 3 of 1,614,020 alleles (0.00019%); highest among the groups gnomAD compares: African/African-American, 0.0027%; no homozygotes.

Submissions (2):

Ambry Genetics
Classification: Uncertain significance for Inborn genetic diseases. Last evaluated: 2025-03-27. Review status: criteria provided, single submitter. Criteria: Ambry Variant Classification Scheme 2023. Collection method: clinical testing. Allele origin: germline.

Labcorp Genetics (formerly Invitae), Labcorp
Classification: Uncertain significance for Autoimmune lymphoproliferative syndrome, type III caused by mutation in PRKCD. Last evaluated: 2020-01-13. Review status: criteria provided, single submitter. Criteria: Invitae Variant Classification Sherloc (09022015). Collection method: clinical testing. Allele origin: germline.
Comment: This variant has not been reported in the literature in individuals with PRKCD-related conditions. In summary, the available evidence is currently insufficient to determine the role of this variant in disease. Therefore, it has been classified as a Variant of Uncertain Significance. Algorithms developed to predict the effect of missense changes on protein structure and function output the following: SIFT: "Deleterious"; PolyPhen-2: "Benign"; Align-GVGD: "Class C0". The serine amino acid residue is found in multiple mammalian species, suggesting that this missense change does not adversely affect protein function. These predictions have not been confirmed by published functional studies and their clinical significance is uncertain. This variant is present in population databases (rs148364495, ExAC 0.01%). This sequence change replaces proline with serine at codon 668 of the PRKCD protein (p.Pro668Ser). The proline residue is highly conserved and there is a moderate physicochemical difference between proline and serine.

NM_006254.4(PRKCD):c.2002C>T (p.Pro668Ser)

Genes: PRKCD (protein kinase C delta; plus strand), LOC129936899 (ATAC-STARR-seq lymphoblastoid active region 19967; plus strand). Cytogenetic location: 3p21.1.
Variant type: single nucleotide variant.
Coding change: c.2002C>T on transcript NM_006254.4 (MANE Select); coding-DNA position 2002, C replaced by T.
Protein change: p.Pro668Ser; replaces proline 668 with serine.
Molecular consequence: missense variant.
Genome position (GRCh38, 1-based): chr3:53,192,237, C>T. VCF-style: chr3-53192237-C-T. GRCh37 (hg19) VCF-style: chr3-53226253-C-T.
Other names: c.2002C>T (NM_006254.3); c.2002C>T, p.Pro668Ser (NM_001316327.2, NM_001354679.2, NM_001354680.2 and 1 more transcripts); c.2059C>T, p.Pro687Ser (NM_001354676.2); c.2050C>T, p.Pro684Ser (NM_001354678.2); short protein forms P684S, P687S, P668S.
Identifiers: ClinVar variation 1039662 (VCV001039662.4), dbSNP rs148364495, ClinGen allele CA2452338.
Genomic context (GRCh38, chr3:53,192,237, plus strand): 5'-GACAAGAACCTCATCGACTCCATGGACCAGTCTGCATTCGCTGGCTTCTCCTTTGTGAAC[C>T]CCAAATTCGAGCACCTCCTGGAAGATTGAGGTTCCTGGACAGATCAGGCTAGCCCTGCCC-3'
Protein context (NP_006245.2, residues 658-676): SAFAGFSFVN[Pro668Ser]KFEHLLED